The following is an entry in ClinVar:

ClinVar aggregate classification (germline): Uncertain significance (1 of 4 stars; one submission).

Conditions:
Immunodeficiency 39 (IMD39). Identifiers: Orphanet 574918, MedGen C4225358, MONDO:0014597, OMIM 616345.

Submission:

Labcorp Genetics (formerly Invitae), Labcorp
Classification: Uncertain significance for Immunodeficiency 39. Last evaluated: 2025-10-21. Review status: criteria provided, single submitter. Criteria: Invitae Variant Classification Sherloc (09022015). Collection method: clinical testing. Allele origin: germline.
Comment: This sequence change falls in intron 5 of the IRF7 gene. It does not directly change the encoded amino acid sequence of the IRF7 protein. It affects a nucleotide within the consensus splice site. This variant is present in population databases (no rsID available, gnomAD 0.003%). This variant has not been reported in the literature in individuals affected with IRF7-related conditions. Variants that disrupt the consensus splice site are a relatively common cause of aberrant splicing (PMID: 17576681, 9536098). Algorithms developed to predict the effect of sequence changes on RNA splicing suggest that this variant may disrupt the consensus splice site. In summary, the available evidence is currently insufficient to determine the role of this variant in disease. Therefore, it has been classified as a Variant of Uncertain Significance.

Literature cited by the submitters: PubMed 17576681; PubMed 9536098.

NM_001572.5(IRF7):c.766+6_766+7del

Gene: IRF7 (interferon regulatory factor 7; minus strand). Cytogenetic location: 11p15.5.
Variant type: Microsatellite.
Coding change: c.766+6_766+7del on transcript NM_001572.5 (MANE Select); bases 6 to 7 of the intron after coding-DNA position 766, 2 bases deleted (AG; older notation c.766+6_766+7delAG).
Molecular consequence: intron variant.
Genome position (GRCh38, 1-based): chr11:613,944-613,945, CT deleted on the plus strand (AG on the coding strand, the reverse complement: IRF7 is on the minus strand); deleting any 2 consecutive bases within chr11:613,944-613,948 gives the same sequence; the c. name uses the placement nearest the transcript's 3' end. VCF-style (leftmost placement, unchanged base first): chr11-613943-CCT-C. GRCh37 (hg19) VCF-style: chr11-613943-CCT-C.
Other names: c.680-80_680-79del (NM_004029.4); c.805+6_805+7del (NM_004031.4).
Identifiers: ClinVar variation 2912155 (VCV002912155.3), dbSNP rs1564882515, ClinGen allele CA597020176.